The following is an entry in ClinVar:

NM_012330.4(KAT6B):c.3908G>A (p.Ser1303Asn)

Gene: KAT6B (lysine acetyltransferase 6B; plus strand). Cytogenetic location: 10q22.2.
Variant type: single nucleotide variant.
Coding change: c.3908G>A on transcript NM_012330.4 (MANE Select); coding-DNA position 3908, G replaced by A.
Protein change: p.Ser1303Asn; replaces serine 1303 with asparagine.
Molecular consequence: missense variant.
Genome position (GRCh38, 1-based): chr10:75,028,732, G>A. VCF-style: chr10-75028732-G-A. GRCh37 (hg19) VCF-style: chr10-76788490-G-A.
Other names: c.3359G>A, p.Ser1120Asn (NM_001256468.2, NM_001370138.1); c.3032G>A, p.Ser1011Asn (NM_001256469.2, NM_001370139.1, NM_001370140.1 and 2 more transcripts); c.2870G>A, p.Ser957Asn (NM_001370132.1); c.2219G>A, p.Ser740Asn (NM_001370133.1); c.1823G>A, p.Ser608Asn (NM_001370134.1); c.1565G>A, p.Ser522Asn (NM_001370135.1); c.3908G>A, p.Ser1303Asn (NM_001370136.1, NM_001370137.1); c.2843G>A, p.Ser948Asn (NM_001370143.1, NM_001370144.1); short protein forms S1011N, S1120N, S1303N, S522N, S608N, S740N, S948N, S957N.
Identifiers: ClinVar variation 4534794 (VCV004534794.7).

ClinVar aggregate classification (germline): Likely benign. Review status: criteria provided, multiple submitters, no conflicts (2 of 4 stars). 2 submissions from 2 submitters: Likely benign (2). Last evaluated 2025-12-01.

gnomAD v4.1: 42 of 1,614,024 alleles (0.0026%); highest among the groups gnomAD compares: South Asian, 0.04%; no homozygotes.

Submissions (2):

CeGaT Center for Human Genetics Tuebingen
Classification: Likely benign. Last evaluated: 2025-12-01. Review status: criteria provided, single submitter. Criteria: CeGaT Center For Human Genetics Tuebingen Variant Classification Criteria Version 2. Collection method: clinical testing. Allele origin: germline. Affected: yes. Observed: 1 variant allele.
Comment: KAT6B: BP4, BS2

Blueprint Genetics
Classification: Likely benign. Last evaluated: 2022-12-05. Review status: criteria provided, single submitter. Criteria: ACMG Guidelines, 2015. Collection method: clinical testing. Allele origin: germline.